The following is an entry in ClinVar:

ClinVar aggregate classification (germline): Uncertain significance (1 of 4 stars; one submission).

Allele frequency attached by ClinVar (database versions not stated): gnomAD 0.00001; TOPMed 0.00001 and 0.00002.
gnomAD v4.1: 1 of 1,614,020 alleles (0.000062%); highest among the groups gnomAD compares: East Asian, 0.0022%; no homozygotes.

Submission:

GeneDx
Classification: Uncertain significance. Last evaluated: 2017-05-31. Review status: criteria provided, single submitter. Criteria: GeneDx Variant Classification (06012015). Collection method: clinical testing. Allele origin: germline. Affected: yes.
Comment: The K232Q variant in the NDUFS3 gene has not been reported previously as a pathogenic variant, nor as a benign variant, to our knowledge. The K232Q variant is not observed in large population cohorts (Lek et al., 2016; 1000 Genomes Consortium et al., 2015; Exome Variant Server). The K232Q variant is a semi-conservative amino acid substitution, which may impact secondary protein structure as these residues differ in some properties. This substitution occurs at a position that is conserved across species, and in silico analysis predicts this variant is probably damaging to the protein structure/function. We interpret K232Q as a variant of uncertain significance.

NM_004551.3(NDUFS3):c.694A>C (p.Lys232Gln)

Gene: NDUFS3 (NADH:ubiquinone oxidoreductase core subunit S3; plus strand). Cytogenetic location: 11p11.2.
Variant type: single nucleotide variant.
Coding change: c.694A>C on transcript NM_004551.3 (MANE Select); coding-DNA position 694, A replaced by C.
Protein change: p.Lys232Gln; replaces lysine 232 with glutamine.
Molecular consequence: missense variant.
Genome position (GRCh38, 1-based): chr11:47,584,380, A>C. VCF-style: chr11-47584380-A-C. GRCh37 (hg19) VCF-style: chr11-47605932-A-C.
Other names: short protein forms K232Q.
Identifiers: ClinVar variation 432505 (VCV000432505.2), dbSNP rs1321310543, ClinGen allele CA380362758.